The following is an entry in ClinVar:

NM_198503.5(KCNT2):c.1109T>G (p.Leu370Arg)

Gene: KCNT2 (potassium sodium-activated channel subfamily T member 2; minus strand). Cytogenetic location: 1q31.3.
Variant type: single nucleotide variant.
Coding change: c.1109T>G on transcript NM_198503.5 (MANE Select); coding-DNA position 1109, T replaced by G.
Protein change: p.Leu370Arg; replaces leucine 370 with arginine.
Molecular consequence: missense variant. On other transcripts: non-coding transcript variant (2).
Genome position (GRCh38, 1-based): chr1:196,425,864, A>C on the plus strand (T>G on the coding strand, the complement: KCNT2 is on the minus strand). VCF-style: chr1-196425864-A-C. GRCh37 (hg19) VCF-style: chr1-196394994-A-C.
Other names: c.1109T>G, p.Leu370Arg (NM_001287819.3, NM_001287820.3); short protein forms L370R.
Identifiers: ClinVar variation 1683758 (VCV001683758.2), dbSNP rs2148529635, ClinGen allele CA344079885.

ClinVar aggregate classification (germline): Uncertain significance (1 of 4 stars; one submission).

Conditions:
Developmental and epileptic encephalopathy, 57. Also called: EPILEPTIC ENCEPHALOPATHY, EARLY INFANTILE, 57. Identifiers: MedGen C4540411, MONDO:0033366, OMIM 617771.

Submission:

Laboratorio de Genetica e Diagnostico Molecular, Hospital Israelita Albert Einstein
Classification: Uncertain significance for Developmental and epileptic encephalopathy, 57. Last evaluated: 2022-02-10. Review status: criteria provided, single submitter. Criteria: ACMG Guidelines, 2015. Collection method: clinical testing. Allele origin: germline. Affected: yes.
Comment: ACMG classification criteria: PM2 moderate, PP2 supporting, PP3 supporting